The following is an entry in ClinVar:

ClinVar aggregate classification (germline): Conflicting classifications of pathogenicity. Review status: criteria provided, conflicting classifications (1 of 4 stars). 3 submissions from 3 submitters: Uncertain significance (2); Likely benign (1). Last evaluated 2024-12-02.

Conditions:
Marfan syndrome (MFS). Also called: FBN1-Related Marfan Syndrome; MARFAN SYNDROME, TYPE I; Marfan syndrome type 1; Marfan's syndrome; Marfan syndrome, classic. Identifiers: Orphanet 284963, Orphanet 558, MedGen C0024796, MONDO:0007947, OMIM 154700.
Familial thoracic aortic aneurysm and aortic dissection (TAAD). Also called: Thoracic aortic aneurysms and dissections. Identifiers: Orphanet 91387, MedGen C4707243, MONDO:0019625.

gnomAD v4.1: 5 of 1,614,074 alleles (0.00031%); highest among the groups gnomAD compares: Non-Finnish European, 0.00042%; no homozygotes.

Submissions (3):

Labcorp Genetics (formerly Invitae), Labcorp
Classification: Likely benign for Marfan syndrome; Familial thoracic aortic aneurysm and aortic dissection. Last evaluated: 2024-12-02. Review status: criteria provided, single submitter. Criteria: Invitae Variant Classification Sherloc (09022015). Collection method: clinical testing. Allele origin: germline.

All of Us Research Program, National Institutes of Health
Classification: Uncertain significance for Marfan syndrome. Last evaluated: 2024-06-09. Review status: criteria provided, single submitter. Criteria: ACMG Guidelines, 2015. Collection method: clinical testing. Allele origin: germline. Inheritance: Autosomal dominant inheritance. Observed: 1 variant allele, 1 heterozygote.
Comment: This missense variant replaces asparagine with serine at codon 2750 of the FBN1 protein. Computational prediction tools indicate that this variant has a neutral impact on protein structure and function. To our knowledge, functional studies have not been reported for this variant. This variant has not been reported in individuals affected with FBN1-related disorders in the literature. This variant has been identified in 1/31404 chromosomes in the general population by the Genome Aggregation Database (gnomAD). The available evidence is insufficient to determine the role of this variant in disease conclusively. Therefore, this variant is classified as a Variant of Uncertain Significance.

This study involves interpretation of variants in research participants for the purpose of population health screening. Participant phenotype was not available at the time of variant classification. Additional details can be found in publication PMID: 35346344, PMCID: PMC8962531

Color Diagnostics, LLC DBA Color Health
Classification: Uncertain significance for Familial thoracic aortic aneurysm and aortic dissection. Last evaluated: 2024-05-20. Review status: criteria provided, single submitter. Criteria: ACMG Guidelines, 2015. Collection method: clinical testing. Allele origin: germline.
Comment: This missense variant replaces asparagine with serine at codon 2750 of the FBN1 protein. Computational prediction tools indicate that this variant has a neutral impact on protein structure and function. To our knowledge, functional studies have not been reported for this variant. This variant has not been reported in individuals affected with FBN1-related disorders in the literature. This variant has been identified in 1/31404 chromosomes in the general population by the Genome Aggregation Database (gnomAD). The available evidence is insufficient to determine the role of this variant in disease conclusively. Therefore, this variant is classified as a Variant of Uncertain Significance.

NM_000138.5(FBN1):c.8249A>G (p.Asn2750Ser)

Gene: FBN1 (fibrillin 1; minus strand). Cytogenetic location: 15q21.1.
Variant type: single nucleotide variant.
Coding change: c.8249A>G on transcript NM_000138.5 (MANE Select); coding-DNA position 8249, A replaced by G.
Protein change: p.Asn2750Ser; replaces asparagine 2750 with serine.
Molecular consequence: missense variant.
Genome position (GRCh38, 1-based): chr15:48,411,357, T>C on the plus strand (A>G on the coding strand, the complement: FBN1 is on the minus strand). VCF-style: chr15-48411357-T-C. GRCh37 (hg19) VCF-style: chr15-48703554-T-C.
Other names: short protein forms N2750S.
Identifiers: ClinVar variation 1002178 (VCV001002178.10), dbSNP rs763816801, ClinGen allele CA392320132.